The following is an entry in ClinVar:

NM_000057.4(BLM):c.46C>T (p.His16Tyr)

Gene: BLM (BLM RecQ like helicase; plus strand). Cytogenetic location: 15q26.1.
Variant type: single nucleotide variant.
Coding change: c.46C>T on transcript NM_000057.4 (MANE Select); coding-DNA position 46, C replaced by T.
Protein change: p.His16Tyr; replaces histidine 16 with tyrosine.
Molecular consequence: missense variant. On other transcripts: 5 prime UTR variant (1).
Genome position (GRCh38, 1-based): chr15:90,747,438, C>T. VCF-style: chr15-90747438-C-T. GRCh37 (hg19) VCF-style: chr15-91290668-C-T.
Other names: c.46C>T, p.His16Tyr (NM_001287246.2, NM_001287247.2); c.-1246C>T (NM_001287248.2); short protein forms H16Y.
Identifiers: ClinVar variation 1742536 (VCV001742536.5), dbSNP rs1895533888, ClinGen allele CA393838889.

ClinVar aggregate classification (germline): Uncertain significance. Review status: criteria provided, multiple submitters, no conflicts (2 of 4 stars). 2 submissions from 2 submitters: Uncertain significance (2). Last evaluated 2023-01-28.

Conditions:
Hereditary cancer-predisposing syndrome. Also called: Hereditary Cancer Syndrome; Hereditary neoplastic syndrome; Neoplastic Syndromes, Hereditary; Tumor predisposition. Identifiers: Orphanet 140162, MedGen C0027672, MeSH D009386, MONDO:0015356.
Bloom syndrome (BLM). Also called: Bloom-Torre-Machacek syndrome. Identifiers: Orphanet 125, MedGen C0005859, MONDO:0008876, OMIM 210900.

Submissions (2):

Labcorp Genetics (formerly Invitae), Labcorp
Classification: Uncertain significance for Bloom syndrome. Last evaluated: 2023-01-28. Review status: criteria provided, single submitter. Criteria: Invitae Variant Classification Sherloc (09022015). Collection method: clinical testing. Allele origin: germline.
Comment: This sequence change replaces histidine, which is basic and polar, with tyrosine, which is neutral and polar, at codon 16 of the BLM protein (p.His16Tyr). This variant is not present in population databases (gnomAD no frequency). This variant has not been reported in the literature in individuals affected with BLM-related conditions. ClinVar contains an entry for this variant (Variation ID: 1742536). Algorithms developed to predict the effect of missense changes on protein structure and function are either unavailable or do not agree on the potential impact of this missense change (SIFT: "Tolerated"; PolyPhen-2: "Probably Damaging"; Align-GVGD: "Class C0"). In summary, the available evidence is currently insufficient to determine the role of this variant in disease. Therefore, it has been classified as a Variant of Uncertain Significance.

Ambry Genetics
Classification: Uncertain significance for Hereditary cancer-predisposing syndrome. Last evaluated: 2019-09-11. Review status: criteria provided, single submitter. Criteria: Ambry Variant Classification Scheme 2023. Collection method: clinical testing. Allele origin: germline.
Comment: The p.H16Y variant (also known as c.46C>T), located in coding exon 1 of the BLM gene, results from a C to T substitution at nucleotide position 46. The histidine at codon 16 is replaced by tyrosine, an amino acid with similar properties. This amino acid position is well conserved in available vertebrate species. In addition, this alteration is predicted to be tolerated by in silico analysis. Since supporting evidence is limited at this time, the clinical significance of this alteration remains unclear.